The following is an entry in ClinVar:

ClinVar aggregate classification (germline): Benign/Likely benign. Review status: criteria provided, multiple submitters, no conflicts (2 of 4 stars). 3 submissions from 3 submitters: Benign (2); Likely benign (1). Last evaluated 2025-11-29.

Conditions:
Dilated cardiomyopathy 1JJ (CMD1JJ). Identifiers: Orphanet 154, MedGen C3808935, MONDO:0014095, OMIM 615235.

Allele frequency attached by ClinVar (database versions not stated): gnomAD 0.00005; gnomAD exomes 0.00006 and 0.00028; TOPMed 0.00013; ExAC 0.00027.
gnomAD v4.1: 87 of 1,600,376 alleles (0.0054%); highest among the groups gnomAD compares: Admixed American, 0.14%; no homozygotes.

Submissions (3):

Labcorp Genetics (formerly Invitae), Labcorp
Classification: Benign for Dilated cardiomyopathy 1JJ. Last evaluated: 2025-11-29. Review status: criteria provided, single submitter. Criteria: Invitae Variant Classification Sherloc (09022015). Collection method: clinical testing. Allele origin: germline.

Women's Health and Genetics/Laboratory Corporation of America, LabCorp
Classification: Benign. Last evaluated: 2025-04-25. Review status: criteria provided, single submitter. Criteria: LabCorp Variant Classification Summary - May 2015. Collection method: clinical testing. Allele origin: germline.

GeneDx
Classification: Likely benign. Last evaluated: 2017-04-21. Review status: criteria provided, single submitter. Criteria: GeneDx Variant Classification (06012015). Collection method: clinical testing. Allele origin: germline. Affected: yes.
Comment: This variant is considered likely benign or benign based on one or more of the following criteria: it is a conservative change, it occurs at a poorly conserved position in the protein, it is predicted to be benign by multiple in silico algorithms, and/or has population frequency not consistent with disease.

NM_001105206.3(LAMA4):c.2354-18A>T

Gene: LAMA4 (laminin subunit alpha 4; minus strand). Cytogenetic location: 6q21.
Variant type: single nucleotide variant.
Coding change: c.2354-18A>T on transcript NM_001105206.3 (MANE Select); 18 bases into the intron before coding-DNA position 2354, A replaced by T.
Molecular consequence: intron variant.
Genome position (GRCh38, 1-based): chr6:112,144,951, T>A on the plus strand (A>T on the coding strand, the complement: LAMA4 is on the minus strand). VCF-style: chr6-112144951-T-A. GRCh37 (hg19) VCF-style: chr6-112466153-T-A.
Other names: c.2333-18A>T (LRG_433t2, NM_002290.5, NM_001105207.3).
Identifiers: ClinVar variation 509095 (VCV000509095.10), dbSNP rs781939034, ClinGen allele CA3965493.